The following is an entry in ClinVar:

NM_005219.5(DIAPH1):c.-14G>C

Gene: DIAPH1 (diaphanous related formin 1; minus strand). Cytogenetic location: 5q31.3.
Variant type: single nucleotide variant.
Coding change: c.-14G>C on transcript NM_005219.5 (MANE Select); 14 bases upstream of the start codon, G replaced by C.
Molecular consequence: 5 prime UTR variant.
Genome position (GRCh38, 1-based): chr5:141,618,928, C>G on the plus strand (G>C on the coding strand, the complement: DIAPH1 is on the minus strand). VCF-style: chr5-141618928-C-G. GRCh37 (hg19) VCF-style: chr5-140998495-C-G.
Other names: c.-14G>C (NM_001079812.3, NM_001314007.2).
Identifiers: ClinVar variation 4853579 (VCV004853579.1).

ClinVar aggregate classification (germline): Uncertain significance (1 of 4 stars; one submission).

gnomAD v4.1: 16 of 1,455,422 alleles (0.0011%); highest among the groups gnomAD compares: South Asian, 0.021%; no homozygotes.

Submission:

Women's Health and Genetics/Laboratory Corporation of America, LabCorp
Classification: Uncertain significance. Last evaluated: 2026-05-04. Review status: criteria provided, single submitter. Criteria: LabCorp Variant Classification Summary - May 2015. Collection method: clinical testing. Allele origin: germline.
Comment: Variant summary: DIAPH1 c.-14G>C is located in the untranslated mRNA region upstream of the initiation codon. The variant allele was found at a frequency of 4.5e-05 in 88318 control chromosomes. The available data on variant occurrences in the general population are insufficient to allow any conclusion about variant significance. To our knowledge, no occurrence of c.-14G>C in individuals affected with DIAPH1-related conditions and no experimental evidence demonstrating its impact on protein function have been reported. No submitters have cited clinical-significance assessments for this variant to ClinVar. Based on the evidence outlined above, the variant was classified as uncertain significance.